The following is an entry in ClinVar:

ClinVar aggregate classification (germline): Uncertain significance. Review status: criteria provided, multiple submitters, no conflicts (2 of 4 stars). 6 submissions from 6 submitters: Uncertain significance (6). Last evaluated 2026-01-27.

Conditions:
Dilated cardiomyopathy 1JJ (CMD1JJ). Identifiers: Orphanet 154, MedGen C3808935, MONDO:0014095, OMIM 615235.
Cardiovascular phenotype. Identifiers: MedGen CN230736.

Allele frequency attached by ClinVar (database versions not stated): gnomAD 0.00015; ExAC 0.00017; gnomAD exomes 0.00021; ESP Exome Variant Server 0.00023; TOPMed 0.00027.
gnomAD v4.1: 321 of 1,613,850 alleles (0.02%); highest among the groups gnomAD compares: Non-Finnish European, 0.025%; no homozygotes.

Submissions (6):

Labcorp Genetics (formerly Invitae), Labcorp
Classification: Uncertain significance for Dilated cardiomyopathy 1JJ. Last evaluated: 2026-01-27. Review status: criteria provided, single submitter. Criteria: Invitae Variant Classification Sherloc (09022015). Collection method: clinical testing. Allele origin: germline.
Comment: This sequence change replaces alanine, which is neutral and non-polar, with serine, which is neutral and polar, at codon 1591 of the LAMA4 protein (p.Ala1591Ser). This variant is present in population databases (rs202176359, gnomAD 0.04%), and has an allele count higher than expected for a pathogenic variant. This missense change has been observed in individual(s) with dilated cardiomyopathy (PMID: 30847666). This variant is also known as c.4792G>T (p.Ala1598Ser). ClinVar contains an entry for this variant (Variation ID: 228783). Invitae Evidence Modeling of protein sequence and biophysical properties (such as structural, functional, and spatial information, amino acid conservation, physicochemical variation, residue mobility, and thermodynamic stability) indicates that this missense variant is not expected to disrupt LAMA4 protein function with a negative predictive value of 80%. In summary, the available evidence is currently insufficient to determine the role of this variant in disease. Therefore, it has been classified as a Variant of Uncertain Significance.

Ambry Genetics
Classification: Uncertain significance for Cardiovascular phenotype. Last evaluated: 2024-05-19. Review status: criteria provided, single submitter. Criteria: Ambry Variant Classification Scheme 2023. Collection method: clinical testing. Allele origin: germline.
Comment: The p.A1591S variant (also known as c.4771G>T), located in coding exon 33 of the LAMA4 gene, results from a G to T substitution at nucleotide position 4771. The alanine at codon 1591 is replaced by serine, an amino acid with similar properties. This amino acid position is well conserved in available vertebrate species. In addition, the in silico prediction for this alteration is inconclusive. The evidence for this gene-disease relationship is limited; therefore, the clinical significance of this alteration is unclear.

Fulgent Genetics
Classification: Uncertain significance for Dilated cardiomyopathy 1JJ. Last evaluated: 2021-08-09. Review status: criteria provided, single submitter. Criteria: ACMG Guidelines, 2015. Collection method: clinical testing. Allele origin: unknown.

Victorian Clinical Genetics Services, Murdoch Childrens Research Institute
Classification: Uncertain significance for Dilated cardiomyopathy 1JJ. Last evaluated: 2020-10-19. Review status: criteria provided, single submitter. Criteria: ACMG Guidelines, 2015. Collection method: clinical testing. Allele origin: germline. Inheritance: Autosomal dominant inheritance. Affected: yes.
Comment: Based on the classification scheme VCGS_Germline_v1.3.3, this variant is classified as 3C-VUS. Following criteria are met: 0105 - The mechanism of disease for this gene is not clearly established although current evidence in the literature suggests loss of function as a mechanism of disease (PMIDs: 16204254, 17646580). (I) 0107 - This gene is associated with autosomal dominant disease, however a recent review has classified the inheritance pattern associated with LAMA4 as unknown (PMID: 23274168). (I) 0200 - Variant is predicted to result in a missense amino acid change from alanine to serine. (I) 0251 - This variant is heterozygous. (I) 0302 - Variant is present in gnomAD (v2) <0.001 for a dominant condition (57 heterozygotes, 0 homozygotes). (SP) 0309 - An alternative amino acid change at the same position has been observed in gnomAD (v2) (p.Ala1598Gly: 2 heterozygotes, 0 homozygotes). (I) 0502 - Missense variant with conflicting in silico predictions and uninformative conservation. (I) 0600 - Variant is located in the annotated Laminin G domain (NCBI conserved domain). (I) 0705 - No comparable missense variants have previous evidence for pathogenicity. (I) 0809 - Previous evidence of pathogenicity for this variant is inconclusive. This variant has previously been classified as a variant of uncertain significance (ClinVar, PMID: 30847666). (I) 0905 - No published segregation evidence has been identified for this variant. (I) 1007 - No published functional evidence has been identified for this variant. (I) 1208 - Inheritance information for this variant is not currently available in this individual. (I) Legend: (SP) - Supporting pathogenic, (I) - Information, (SB) - Supporting benign

GeneDx
Classification: Uncertain significance. Last evaluated: 2020-06-10. Review status: criteria provided, single submitter. Criteria: GeneDx Variant Classification Process June 2021. Collection method: clinical testing. Allele origin: germline. Affected: yes.
Comment: Has not been previously published as pathogenic or benign to our knowledge; Reported in ClinVar as a variant of uncertain significance (ClinVar Variant ID# 228783; Landrum et al., 2016); In silico analysis supports that this missense variant does not alter protein structure/function; This variant is associated with the following publications: (PMID: 30847666)

Laboratory for Molecular Medicine, Mass General Brigham Personalized Medicine
Classification: Uncertain significance. Last evaluated: 2015-09-09. Review status: criteria provided, single submitter. Criteria: LMM Criteria. Collection method: clinical testing. Allele origin: germline. Observed: 2 variant alleles.
Comment: Th e p.Ala1591Ser variant has been identified in 18/66692 European chromosomes by t he Exome Aggregation Consortium (ExAC; dbSNP rs2 02176359). Computational prediction tools and conservation analysis do not provi de strong support for or against an impact to the protein. In summary, the clini cal significance of the p.Ala1591Ser variant is uncertain.

Literature cited by the submitters: PubMed 30847666 (cited by Labcorp Genetics (formerly Invitae), Labcorp and Victorian Clinical Genetics Services, Murdoch Childrens Research Institute); PubMed 16204254 (cited by Victorian Clinical Genetics Services, Murdoch Childrens Research Institute); PubMed 17646580 (cited by Victorian Clinical Genetics Services, Murdoch Childrens Research Institute); PubMed 23274168 (cited by Victorian Clinical Genetics Services, Murdoch Childrens Research Institute).

NM_001105206.3(LAMA4):c.4792G>T (p.Ala1598Ser)

Gene: LAMA4 (laminin subunit alpha 4; minus strand). Cytogenetic location: 6q21.
Variant type: single nucleotide variant.
Coding change: c.4792G>T on transcript NM_001105206.3 (MANE Select); coding-DNA position 4792, G replaced by T.
Protein change: p.Ala1598Ser; replaces alanine 1598 with serine.
Molecular consequence: missense variant.
Genome position (GRCh38, 1-based): chr6:112,119,185, C>A on the plus strand (G>T on the coding strand, the complement: LAMA4 is on the minus strand). VCF-style: chr6-112119185-C-A. GRCh37 (hg19) VCF-style: chr6-112440388-C-A.
Other names: c.4771G>T, p.Ala1591Ser (NM_001105207.3, NM_002290.5); short protein forms A1591S, A1598S.
Identifiers: ClinVar variation 228783 (VCV000228783.19), dbSNP rs202176359, ClinGen allele CA3964908.